The following is an entry in ClinVar:

ClinVar aggregate classification (germline): Conflicting classifications of pathogenicity. Review status: criteria provided, conflicting classifications (1 of 4 stars). 5 submissions from 5 submitters: Uncertain significance (1); Benign (1); Likely benign (3). Last evaluated 2025-03-25.

Conditions:
Hereditary cancer-predisposing syndrome. Also called: Neoplastic Syndromes, Hereditary; Hereditary neoplastic syndrome; Tumor predisposition; Hereditary Cancer Syndrome. Identifiers: Orphanet 140162, MedGen C0027672, MeSH D009386, MONDO:0015356.
Peutz-Jeghers syndrome (PJS). Also called: Peutz-Jeghers polyposis; Periorificial lentiginosis syndrome; POLYPOSIS, HAMARTOMATOUS INTESTINAL; POLYPS-AND-SPOTS SYNDROME. Identifiers: Orphanet 2869, MedGen C0031269, MeSH D010580, MONDO:0008280, OMIM 175200.

Submissions (5):

Myriad Genetics, Inc.
Classification: Benign for Peutz-Jeghers syndrome. Last evaluated: 2025-03-25. Review status: criteria provided, single submitter. Criteria: Myriad Autosomal Dominant, Autosomal Recessive and X-Linked Classification Criteria (2023). Collection method: clinical testing. Allele origin: unknown.
Comment: This variant is considered benign. This variant is a silent/synonymous amino acid change and it is not expected to impact splicing.

All of Us Research Program, National Institutes of Health
Classification: Likely benign for Peutz-Jeghers syndrome. Last evaluated: 2024-08-13. Review status: criteria provided, single submitter. Criteria: ACMG Guidelines, 2015. Collection method: clinical testing. Allele origin: germline. Inheritance: Autosomal dominant inheritance. Observed: 1 variant allele, 1 heterozygote.
Comment: This study involves interpretation of variants in research participants for the purpose of population health screening. Participant phenotype was not available at the time of variant classification. Additional details can be found in publication PMID: 35346344, PMCID: PMC8962531

Labcorp Genetics (formerly Invitae), Labcorp
Classification: Likely benign for Peutz-Jeghers syndrome. Last evaluated: 2023-05-02. Review status: criteria provided, single submitter. Criteria: Invitae Variant Classification Sherloc (09022015). Collection method: clinical testing. Allele origin: germline.

Quest Diagnostics Nichols Institute San Juan Capistrano
Classification: Uncertain significance. Last evaluated: 2022-10-21. Review status: criteria provided, single submitter. Criteria: Quest Diagnostics criteria. Collection method: clinical testing. Allele origin: unknown.
Comment: To the best of our knowledge, the variant has not been reported in individuals with STK11-related conditions in the published literature. It also has not been reported in large, multi-ethnic general populations. Analysis of this variant using software algorithms for the prediction of the effect of nucleotide changes on STK11 mRNA splicing yielded inconclusive findings . Based on the available information, we are unable to determine the clinical significance of this variant.

Ambry Genetics
Classification: Likely benign for Hereditary cancer-predisposing syndrome. Last evaluated: 2019-12-04. Review status: criteria provided, single submitter. Criteria: Ambry Variant Classification Scheme 2023. Collection method: clinical testing. Allele origin: germline.

NM_000455.5(STK11):c.384G>C (p.Val128=)

Gene: STK11 (serine/threonine kinase 11; plus strand). Cytogenetic location: 19p13.3.
Variant type: single nucleotide variant.
Coding change: c.384G>C on transcript NM_000455.5 (MANE Select); coding-DNA position 384, G replaced by C.
Protein change: p.Val128=; no amino-acid change (valine 128 retained).
Molecular consequence: synonymous variant.
Genome position (GRCh38, 1-based): chr19:1,219,333, G>C. VCF-style: chr19-1219333-G-C. GRCh37 (hg19) VCF-style: chr19-1219332-G-C.
Identifiers: ClinVar variation 792765 (VCV000792765.16), dbSNP rs1599925298, ClinGen allele CA504706593.